The following is an entry in ClinVar:

NM_000018.4(ACADVL):c.62+1G>A

Genes: ACADVL (acyl-CoA dehydrogenase very long chain; plus strand), DLG4 (discs large MAGUK scaffold protein 4; minus strand). Cytogenetic location: 17p13.1.
Variant type: single nucleotide variant.
Coding change: c.62+1G>A on transcript NM_000018.4 (MANE Select); the canonical splice donor site of the intron after coding-DNA position 62, G replaced by A.
Molecular consequence: splice donor variant. On other transcripts: 5 prime UTR variant (2), non-coding transcript variant (1), intron variant (1).
Genome position (GRCh38, 1-based): chr17:7,220,047, G>A. VCF-style: chr17-7220047-G-A. GRCh37 (hg19) VCF-style: chr17-7123366-G-A.
Other names: c.-1198C>T (NM_001321074.1); c.-241G>A (NM_001270448.2); c.132-75G>A (NM_001270447.2); c.62+1G>A (NM_001033859.3).
Identifiers: ClinVar variation 962673 (VCV000962673.23), dbSNP rs2071111529, ClinGen allele CA397722010.

ClinVar aggregate classification (germline): Pathogenic/Likely pathogenic. Review status: criteria provided, multiple submitters, no conflicts (2 of 4 stars). 5 submissions from 5 submitters: Pathogenic (1); Likely pathogenic (3). 1 of the submissions does not count toward it. Last evaluated 2024-11-19.

Conditions:
Very long chain acyl-CoA dehydrogenase deficiency (ACADVLD). Also called: VLCAD Deficiency; Very Long-Chain Acyl-Coenzyme A Dehydrogenase Deficiency. Identifiers: Orphanet 26793, MedGen C3887523, MONDO:0008723, OMIM 201475.

Submissions (5):

Labcorp Genetics (formerly Invitae), Labcorp
Classification: Likely pathogenic for Very long chain acyl-CoA dehydrogenase deficiency. Last evaluated: 2024-11-19. Review status: criteria provided, single submitter. Criteria: Invitae Variant Classification Sherloc (09022015). Collection method: clinical testing. Allele origin: germline.
Comment: This sequence change affects a donor splice site in intron 1 of the ACADVL gene. It is expected to disrupt RNA splicing. Variants that disrupt the donor or acceptor splice site typically lead to a loss of protein function (PMID: 16199547), and loss-of-function variants in ACADVL are known to be pathogenic (PMID: 9973285, 11590124). This variant is not present in population databases (gnomAD no frequency). Disruption of this splice site has been observed in individual(s) with very long chain acyl-CoA dehydrogenase deficiency (PMID: 9973285). ClinVar contains an entry for this variant (Variation ID: 962673). Algorithms developed to predict the effect of sequence changes on RNA splicing suggest that this variant may disrupt the consensus splice site. In summary, the currently available evidence indicates that the variant is pathogenic, but additional data are needed to prove that conclusively. Therefore, this variant has been classified as Likely Pathogenic.

Fulgent Genetics
Classification: Likely pathogenic for Very long chain acyl-CoA dehydrogenase deficiency. Last evaluated: 2024-01-09. Review status: criteria provided, single submitter. Criteria: ACMG Guidelines, 2015. Collection method: clinical testing. Allele origin: germline.

Baylor Genetics
Classification: Pathogenic for Very long chain acyl-CoA dehydrogenase deficiency. Last evaluated: 2024-01-02. Review status: criteria provided, single submitter. Criteria: ACMG Guidelines, 2015. Collection method: clinical testing. Allele origin: unknown.

Women's Health and Genetics/Laboratory Corporation of America, LabCorp
Classification: Likely pathogenic for Very long chain acyl-CoA dehydrogenase deficiency. Last evaluated: 2022-04-09. Review status: criteria provided, single submitter. Criteria: LabCorp Variant Classification Summary - May 2015. Collection method: clinical testing. Allele origin: germline.
Comment: Variant summary: ACADVL c.62+1G>A alters a conserved nucleotide located in a canonical splice-site and is predicted to affect mRNA splicing resulting in a significantly altered protein due to either exon skipping, shortening, or inclusion of intronic material. Several computational tools predict a significant impact on normal splicing: Three predict the variant abolishes the canonical 5' splicing donor site. However, these predictions have yet to be confirmed by functional studies. The variant was absent in 227052 control chromosomes. c.62+1G>A has been reported in the literature in at-least one individual affected with Very Long Chain Acyl-CoA Dehydrogenase Deficiency (example, Andresen_1999). To our knowledge, no experimental evidence demonstrating an impact on protein function has been reported. One clinical diagnostic laboratory has submitted clinical-significance assessments for this variant to ClinVar after 2014 and classified the variant as likely pathogenic. Based on the evidence outlined above, the variant was classified as likely pathogenic.

Natera, Inc.
Classification: Likely pathogenic for Very long chain acyl-CoA dehydrogenase deficiency. Last evaluated: 2020-02-04. Review status: no assertion criteria provided. Collection method: clinical testing. Allele origin: germline. Not counted in ClinVar's aggregate classification.

Literature cited by the submitters: PubMed 16199547 (cited by Labcorp Genetics (formerly Invitae), Labcorp); PubMed 9973285 (cited by Labcorp Genetics (formerly Invitae), Labcorp and Women's Health and Genetics/Laboratory Corporation of America, LabCorp); PubMed 11590124 (cited by Labcorp Genetics (formerly Invitae), Labcorp); PubMed 23169530 (cited by Women's Health and Genetics/Laboratory Corporation of America, LabCorp).